The following is an entry in ClinVar:

NM_020937.4(FANCM):c.77G>T (p.Ser26Ile)

Genes: FANCM (FA complementation group M; plus strand), LOC130055524 (ATAC-STARR-seq lymphoblastoid active region 8299; plus strand). Cytogenetic location: 14q21.2.
Variant type: single nucleotide variant.
Coding change: c.77G>T on transcript NM_020937.4 (MANE Select); coding-DNA position 77, G replaced by T.
Protein change: p.Ser26Ile; replaces serine 26 with isoleucine.
Molecular consequence: missense variant.
Genome position (GRCh38, 1-based): chr14:45,136,108, G>T. VCF-style: chr14-45136108-G-T. GRCh37 (hg19) VCF-style: chr14-45605311-G-T.
Other names: c.77G>T, p.Ser26Ile (NM_001308133.2, NM_001308134.2); short protein forms S26I.
Identifiers: ClinVar variation 4619576 (VCV004619576.1).

ClinVar aggregate classification (germline): Uncertain significance (1 of 4 stars; one submission).

Conditions:
Inborn genetic diseases. Identifiers: MedGen C0950123, MeSH D030342.

Submission:

Ambry Genetics
Classification: Uncertain significance for Inborn genetic diseases. Last evaluated: 2025-11-10. Review status: criteria provided, single submitter. Criteria: Ambry Variant Classification Scheme 2023. Collection method: clinical testing. Allele origin: germline.
Comment: The p.S26I variant (also known as c.77G>T), located in coding exon 1 of the FANCM gene, results from a G to T substitution at nucleotide position 77. The serine at codon 26 is replaced by isoleucine, an amino acid with dissimilar properties. This amino acid position is conserved. In addition, this alteration is predicted to be tolerated by in silico analysis. Based on the available evidence, the clinical significance of this variant remains unclear.